The following is an entry in ClinVar:

NM_001458.5(FLNC):c.5685del (p.Val1896fs)

Genes: FLNC (filamin C; plus strand), FLNC-AS1 (FLNC antisense RNA 1; minus strand). Cytogenetic location: 7q32.1.
Variant type: Deletion.
Coding change: c.5685del on transcript NM_001458.5 (MANE Select); coding-DNA position 5685, one base deleted (C; older notation c.5685delC).
Protein change: p.Val1896fs; shifts the reading frame from valine 1896.
Molecular consequence: frameshift variant. On other transcripts: non-coding transcript variant (1).
Genome position (GRCh38, 1-based): chr7:128,851,471, C deleted; the last of 2 consecutive C bases (chr7:128,851,470-128,851,471); deleting either gives the same sequence. VCF-style (leftmost placement, unchanged base first): chr7-128851469-GC-G. GRCh37 (hg19) VCF-style: chr7-128491523-GC-G.
Other names: c.5685delC (NM_001458.4); c.5586del, p.Val1863fs (NM_001127487.2); c.5685del (NM_001458.4); short protein forms V1863fs, V1896fs.
Identifiers: ClinVar variation 978274 (VCV000978274.8), dbSNP rs1808809268, ClinGen allele CA1139660258.
Genomic context (GRCh38, chr7:128,851,469, plus strand): 5'-GGGGTGAGGGCAGGACCTCTGATCTTGGCCACACCTCCACCTACAGGGGGTCTGTCACTG[GC>G]CGTGGAGGGCCCATCCAAGGCAGAGATCACCTGTAAGGACAACAAGGATGGCACCTGCAC-3'

ClinVar aggregate classification (germline): Pathogenic/Likely pathogenic. Review status: criteria provided, multiple submitters, no conflicts (2 of 4 stars). 3 submissions from 2 submitters: Pathogenic (1); Likely pathogenic (2). Last evaluated 2025-08-03.

Conditions:
Cardiovascular phenotype. Identifiers: MedGen CN230736.
Myofibrillar myopathy 5. Also called: Filaminopathy (type); FILAMINOPATHY, AUTOSOMAL DOMINANT. Identifiers: Orphanet 171445, MedGen C1836050, MONDO:0012289, OMIM 609524.
Hypertrophic cardiomyopathy 26. Also called: Cardiomyopathy, familial hypertrophic, 26. Identifiers: Orphanet 75249, MedGen C4310749, MONDO:0014883, OMIM 617047.
Distal myopathy with posterior leg and anterior hand involvement. Also called: WILLIAMS DISTAL MYOPATHY. Identifiers: Orphanet 63273, MedGen C3279722, MONDO:0013550, OMIM 614065.
Conduction disorder of the heart. Also called: Cardiac conduction defect. Identifiers: Orphanet 871, MedGen C0264886, MONDO:0100042, OMIM 115080.

Submissions (3):

Labcorp Genetics (formerly Invitae), Labcorp
Classification: Pathogenic for Distal myopathy with posterior leg and anterior hand involvement; Myofibrillar myopathy 5; Hypertrophic cardiomyopathy 26. Last evaluated: 2025-08-03. Review status: criteria provided, single submitter. Criteria: Invitae Variant Classification Sherloc (09022015). Collection method: clinical testing. Allele origin: germline.
Comment: This sequence change creates a premature translational stop signal (p.Val1896Trpfs*57) in the FLNC gene. It is expected to result in an absent or disrupted protein product. Loss-of-function variants in FLNC are known to be pathogenic (PMID: 27908349). This variant is not present in population databases (gnomAD no frequency). This premature translational stop signal has been observed in individual(s) with cardiac arrest (PMID: 35352813). ClinVar contains an entry for this variant (Variation ID: 978274). For these reasons, this variant has been classified as Pathogenic.

Molecular Diagnostic Laboratory for Inherited Cardiovascular Disease, Montreal Heart Institute
Classification: Likely pathogenic for Cardiovascular phenotype. Last evaluated: 2020-12-08. Review status: criteria provided, single submitter. Criteria: ACMG Guidelines, 2015. Collection method: clinical testing. Allele origin: germline. Affected: yes.

Molecular Diagnostic Laboratory for Inherited Cardiovascular Disease, Montreal Heart Institute
Classification: Likely pathogenic for Conduction disorder of the heart. Last evaluated: 2019-09-12. Review status: criteria provided, single submitter. Criteria: ACMG Guidelines, 2015. Collection method: clinical testing. Allele origin: germline. Affected: yes.

Literature cited by the submitters: PubMed 27908349 (cited by Labcorp Genetics (formerly Invitae), Labcorp); PubMed 35352813 (cited by Labcorp Genetics (formerly Invitae), Labcorp).